The following is an entry in ClinVar:

NM_001126121.2(SLC25A19):c.590G>T (p.Ser197Ile)

Gene: SLC25A19 (solute carrier family 25 member 19; minus strand). Cytogenetic location: 17q25.1.
Variant type: single nucleotide variant.
Coding change: c.590G>T on transcript NM_001126121.2 (MANE Select); coding-DNA position 590, G replaced by T.
Protein change: p.Ser197Ile; replaces serine 197 with isoleucine.
Molecular consequence: missense variant.
Genome position (GRCh38, 1-based): chr17:75,278,205, C>A on the plus strand (G>T on the coding strand, the complement: SLC25A19 is on the minus strand). VCF-style: chr17-75278205-C-A. GRCh37 (hg19) VCF-style: chr17-73274286-C-A.
Other names: p.Ser197Ile; c.590G>T, p.Ser197Ile (NM_001126122.2, NM_021734.5); short protein forms S197I.
Identifiers: ClinVar variation 198247 (VCV000198247.21), dbSNP rs769399113, ClinGen allele CA246795.

ClinVar aggregate classification (germline): Conflicting classifications of pathogenicity. Review status: criteria provided, conflicting classifications (1 of 4 stars). 6 submissions from 6 submitters: Uncertain significance (5); Likely benign (1). Last evaluated 2026-01-19.

Conditions:
Amish lethal microcephaly (MCPHA). Also called: THIAMINE METABOLISM DYSFUNCTION SYNDROME 3 (MICROCEPHALY TYPE); MICROCEPHALY, AMISH TYPE. Identifiers: Orphanet 99742, MedGen C1846648, MONDO:0011790, OMIM 607196.
Progressive demyelinating neuropathy with bilateral striatal necrosis (THMD4). Also called: Thiamine metabolism dysfunction syndrome 4 (progressive polyneuropathy type); BILATERAL STRIATAL DEGENERATION AND PROGRESSIVE POLYNEUROPATHY; Thiamine Metabolism Dysfunction Syndrome 4 (THMD-4). Identifiers: Orphanet 217396, MedGen C3150973, MONDO:0013382, OMIM 613710.

Allele frequency attached by ClinVar (database versions not stated): gnomAD exomes 0.00018 and 0.00004; TOPMed 0.00007; ExAC 0.00018; gnomAD 0.00001.
gnomAD v4.1: 53 of 1,613,858 alleles (0.0033%); highest among the groups gnomAD compares: Admixed American, 0.087%; no homozygotes.

Submissions (6):

Labcorp Genetics (formerly Invitae), Labcorp
Classification: Likely benign. Last evaluated: 2026-01-19. Review status: criteria provided, single submitter. Criteria: Invitae Variant Classification Sherloc (09022015). Collection method: clinical testing. Allele origin: germline.

Mayo Clinic Laboratories, Mayo Clinic
Classification: Uncertain significance. Last evaluated: 2024-02-15. Review status: criteria provided, single submitter. Criteria: ACMG Guidelines, 2015. Collection method: clinical testing. Allele origin: germline. Observed: 1 variant allele.

GeneDx
Classification: Uncertain significance. Last evaluated: 2022-05-24. Review status: criteria provided, single submitter. Criteria: GeneDx Variant Classification Process June 2021. Collection method: clinical testing. Allele origin: germline. Affected: yes.
Comment: In silico analysis supports that this missense variant has a deleterious effect on protein structure/function; Has not been previously published as pathogenic or benign to our knowledge

New York Genome Center
Classification: Uncertain significance for Progressive demyelinating neuropathy with bilateral striatal necrosis. Last evaluated: 2020-06-26. Review status: criteria provided, single submitter. Criteria: NYGC Assertion Criteria 2020. Collection method: clinical testing. Allele origin: germline. Observed: 1 heterozygote. Study: CSER-NYCKidSeq.

Fulgent Genetics
Classification: Uncertain significance for Amish lethal microcephaly; Progressive demyelinating neuropathy with bilateral striatal necrosis. Last evaluated: 2018-10-31. Review status: criteria provided, single submitter. Criteria: ACMG Guidelines, 2015. Collection method: clinical testing. Allele origin: unknown.

Eurofins Ntd Llc (ga)
Classification: Uncertain significance. Last evaluated: 2017-10-27. Review status: criteria provided, single submitter. Criteria: EGL Classification Definitions 2015. Collection method: clinical testing. Allele origin: germline. Observed: 2 variant alleles, 2 heterozygotes.